The following is an entry in ClinVar:

ClinVar aggregate classification (germline): Uncertain significance. Review status: criteria provided, multiple submitters, no conflicts (2 of 4 stars). 2 submissions from 2 submitters: Uncertain significance (2). Last evaluated 2025-03-18.

Conditions:
Cardiovascular phenotype. Identifiers: MedGen CN230736.

Submissions (2):

Labcorp Genetics (formerly Invitae), Labcorp
Classification: Uncertain significance. Last evaluated: 2025-03-18. Review status: criteria provided, single submitter. Criteria: Invitae Variant Classification Sherloc (09022015). Collection method: clinical testing. Allele origin: germline.
Comment: This sequence change replaces proline, which is neutral and non-polar, with alanine, which is neutral and non-polar, at codon 1705 of the ALPK3 protein (p.Pro1705Ala). This variant is not present in population databases (gnomAD no frequency). This variant has not been reported in the literature in individuals affected with ALPK3-related conditions. ClinVar contains an entry for this variant (Variation ID: 1745423). Invitae Evidence Modeling of protein sequence and biophysical properties (such as structural, functional, and spatial information, amino acid conservation, physicochemical variation, residue mobility, and thermodynamic stability) indicates that this missense variant is expected to disrupt ALPK3 protein function with a positive predictive value of 80%. In summary, the available evidence is currently insufficient to determine the role of this variant in disease. Therefore, it has been classified as a Variant of Uncertain Significance.

Ambry Genetics
Classification: Uncertain significance for Cardiovascular phenotype. Last evaluated: 2019-01-14. Review status: criteria provided, single submitter. Criteria: Ambry Variant Classification Scheme 2023. Collection method: clinical testing. Allele origin: germline.
Comment: The p.P1705A variant (also known as c.5113C>G), located in coding exon 12 of the ALPK3 gene, results from a C to G substitution at nucleotide position 5113. The proline at codon 1705 is replaced by alanine, an amino acid with highly similar properties. This amino acid position is highly conserved in available vertebrate species. In addition, this alteration is predicted to be tolerated by in silico analysis. Since supporting evidence is limited at this time, the clinical significance of this alteration remains unclear.

NM_020778.5(ALPK3):c.4507C>G (p.Pro1503Ala)

Gene: ALPK3 (alpha kinase 3; plus strand). Cytogenetic location: 15q25.3.
Variant type: single nucleotide variant.
Coding change: c.4507C>G on transcript NM_020778.5 (MANE Select); coding-DNA position 4507, C replaced by G.
Protein change: p.Pro1503Ala; replaces proline 1503 with alanine.
Molecular consequence: missense variant.
Genome position (GRCh38, 1-based): chr15:84,864,449, C>G. VCF-style: chr15-84864449-C-G. GRCh37 (hg19) VCF-style: chr15-85407680-C-G.
Other names: short protein forms P1503A.
Identifiers: ClinVar variation 1745423 (VCV001745423.3), dbSNP rs2505729560, ClinGen allele CA393364702.